The following is an entry in ClinVar:

NM_024312.5(GNPTAB):c.1567_1568insACATGACCAAGCAT (p.Cys523fs)

Gene: GNPTAB (N-acetylglucosamine-1-phosphate transferase subunits alpha and beta; minus strand). Cytogenetic location: 12q23.2.
Variant type: Insertion.
Coding change: c.1567_1568insACATGACCAAGCAT on transcript NM_024312.5 (MANE Select); coding-DNA positions 1567 to 1568, ACATGACCAAGCAT inserted.
Protein change: p.Cys523fs; shifts the reading frame from cysteine 523.
Molecular consequence: frameshift variant.
Genome position: GRCh38 VCF-style: chr12-101766135-C-CATGCTTGGTCATGT. GRCh37 (hg19) VCF-style: chr12-102159913-C-CATGCTTGGTCATGT.
Other names: short protein forms C523fs.
Identifiers: ClinVar variation 5013719 (VCV005013719.1).

ClinVar aggregate classification (germline): Pathogenic (1 of 4 stars; one submission).

Conditions:
GNPTAB-mucolipidosis. Also called: UDP-N-acetylglucosamine-1-phosphotransferase subunit alpha/beta deficiency. Identifiers: MedGen CN322573, MONDO:0100122.

Submission:

Myriad Genetics, Inc.
Classification: Pathogenic for GNPTAB-mucolipidosis. Last evaluated: 2024-11-06. Review status: criteria provided, single submitter. Criteria: Myriad Autosomal Dominant, Autosomal Recessive and X-Linked Classification Criteria (2023). Collection method: clinical testing. Allele origin: unknown.
Comment: NM_024312.4(GNPTAB):c.1567_1568ins14(C523Yfs*29) is expected to be pathogenic in the context of GNPTAB-related disorders. This variant is predicted to lead to an abnormal or absent protein product due to the creation of a premature termination codon in GNPTAB, a gene where loss-of-function variants are known to be pathogenic. Please note: this variant was assessed in the context of healthy population screening.